The following is an entry in ClinVar:

NM_001127222.2(CACNA1A):c.1668+339C>T

Gene: CACNA1A (calcium voltage-gated channel subunit alpha1 A; minus strand). Cytogenetic location: 19p13.13.
Variant type: single nucleotide variant.
Coding change: c.1668+339C>T on transcript NM_001127222.2 (MANE Select); 339 bases into the intron after coding-DNA position 1668, C replaced by T.
Molecular consequence: intron variant.
Genome position (GRCh38, 1-based): chr19:13,312,330, G>A on the plus strand (C>T on the coding strand, the complement: CACNA1A is on the minus strand). VCF-style: chr19-13312330-G-A. GRCh37 (hg19) VCF-style: chr19-13423144-G-A.
Other names: c.1671+339C>T (NM_001127221.2, NM_001174080.2, NM_000068.4 and 1 more transcripts).
Identifiers: ClinVar variation 671456 (VCV000671456.1), dbSNP rs9677000, ClinGen allele CA14733053.

ClinVar aggregate classification (germline): Benign (1 of 4 stars; one submission).

Allele frequency attached by ClinVar (database versions not stated): gnomAD 0.04022; TOPMed 0.04222; 1000 Genomes Project 0.05252; 1000 Genomes Project 30x 0.05325.
gnomAD v4.1: 5,997 of 152,186 alleles (3.9%); highest among the groups gnomAD compares: African/African-American, 14%; 376 homozygotes.

Submission:

GeneDx
Classification: Benign. Last evaluated: 2018-06-14. Review status: criteria provided, single submitter. Criteria: GeneDx Variant Classification (06012015). Collection method: clinical testing. Allele origin: germline. Affected: yes.
Comment: This variant is considered likely benign or benign based on one or more of the following criteria: it is a conservative change, it occurs at a poorly conserved position in the protein, it is predicted to be benign by multiple in silico algorithms, and/or has population frequency not consistent with disease.